The following is an entry in ClinVar:

NM_003119.4(SPG7):c.1892_1906dup (p.Ser635_Glu636insGlyGlyArgAlaSer)

Gene: SPG7 (SPG7 matrix AAA peptidase subunit, paraplegin; plus strand). Cytogenetic location: 16q24.3.
Variant type: Duplication.
Coding change: c.1892_1906dup on transcript NM_003119.4 (MANE Select); coding-DNA positions 1892 to 1906, 15 bases duplicated (GAGGACGGGCCTCGG).
Protein change: p.Ser635_Glu636insGlyGlyArgAlaSer.
Molecular consequence: inframe insertion.
Genome position (GRCh38, 1-based): chr16:89,553,091-89,553,105, GAGGACGGGCCTCGG duplicated; duplicating any 15 consecutive bases within chr16:89,553,089-89,553,105 gives the same sequence; the c. name uses the placement nearest the transcript's 3' end. VCF-style (leftmost placement, unchanged base first): chr16-89553088-T-TGGGAGGACGGGCCTC. GRCh37 (hg19) VCF-style: chr16-89619496-T-TGGGAGGACGGGCCTC.
Other names: c.1892_1906dup, p.Ser635_Glu636insGlyGlyArgAlaSer (NM_001363850.1); c.1892_1906dup15 (NM_003119.4).
Identifiers: ClinVar variation 3336261 (VCV003336261.1).

ClinVar aggregate classification (germline): Uncertain significance (1 of 4 stars; one submission).

Submission:

Women's Health and Genetics/Laboratory Corporation of America, LabCorp
Classification: Uncertain significance. Last evaluated: 2024-05-02. Review status: criteria provided, single submitter. Criteria: LabCorp Variant Classification Summary - May 2015. Collection method: clinical testing. Allele origin: germline.
Comment: Variant summary: SPG7 c.1892_1906dup15 (p.Gly631_Ser635dup) results in an in-frame duplication that is predicted to duplicate five amino acids into the encoded protein. The variant was absent in 248904 control chromosomes. The available data on variant occurrences in the general population are insufficient to allow any conclusion about variant significance. c.1892_1906dup15 has been reported in the literature in at-least one individual affected with Hereditary Spastic Paraplegia 7 (example: Dong_2021). These report(s) do not provide unequivocal conclusions about association of the variant with Hereditary Spastic Paraplegia 7. To our knowledge, no experimental evidence demonstrating an impact on protein function has been reported. The following publication has been ascertained in the context of this evaluation (PMID: 34256108). No submitters have cited clinical-significance assessments for this variant to ClinVar. Based on the evidence outlined above, the variant was classified as uncertain significance.

Literature cited by the submitters: PubMed 34256108.